The following is an entry in ClinVar:

ClinVar aggregate classification (germline): Likely pathogenic (1 of 4 stars; one submission).

Conditions:
Cholestanol storage disease (CTX). Also called: CEREBRAL CHOLESTERINOSIS; CTX: Cerebrotendinous xanthomatosis; Cerebrotendinous Xanthomatosis. Identifiers: Orphanet 909, MedGen C0238052, MONDO:0008948, OMIM 213700.

Submission:

Myriad Genetics, Inc.
Classification: Likely pathogenic for Cholestanol storage disease. Last evaluated: 2022-01-21. Review status: criteria provided, single submitter. Criteria: Myriad Women's Health Autosomal Recessive and X-Linked Classification Criteria (2021). Collection method: clinical testing. Allele origin: unknown.
Comment: NM_000784.3(CYP27A1):c.1126C>T(Q376*) is expected to be pathogenic in the context of cerebrotendinous xanthomatosis. This variant is predicted to lead to an abnormal or absent protein product due to the creation of a premature termination codon in CYP27A1, a gene where loss-of-function variants are known to be pathogenic. Please note: this variant was assessed in the context of healthy population screening.

NM_000784.4(CYP27A1):c.1126C>T (p.Gln376Ter)

Gene: CYP27A1 (cytochrome P450 family 27 subfamily A member 1; plus strand). Cytogenetic location: 2q35.
Variant type: single nucleotide variant.
Coding change: c.1126C>T on transcript NM_000784.4 (MANE Select); coding-DNA position 1126, C replaced by T.
Protein change: p.Gln376Ter; replaces glutamine 376 with a stop codon.
Molecular consequence: nonsense.
Genome position (GRCh38, 1-based): chr2:218,814,129, C>T. VCF-style: chr2-218814129-C-T. GRCh37 (hg19) VCF-style: chr2-219678852-C-T.
Other names: short protein forms Q376*.
Identifiers: ClinVar variation 1723984 (VCV001723984.2), dbSNP rs1943756375, ClinGen allele CA350592189.
Genomic context (GRCh38, chr2:218,814,129, plus strand): 5'-GAGATCCAGGAGGCCTTGCACGAGGAAGTGGTGGGTGTGGTGCCAGCCGGGCAAGTGCCC[C>T]AGCACAAGGACTTTGCCCACATGCCGTTGCTCAAAGCTGTGCTTAAGGAGACTCTGCGGT-3'